The following is an entry in ClinVar:

ClinVar aggregate classification (germline): Uncertain significance. Review status: criteria provided, multiple submitters, no conflicts (2 of 4 stars). 2 submissions from 2 submitters: Uncertain significance (2). Last evaluated 2025-12-11.

Conditions:
Inborn genetic diseases. Identifiers: MedGen C0950123, MeSH D030342.
SEMA3A-related disorder. Also called: SEMA3A-related condition.

gnomAD v4.1: 19 of 1,614,108 alleles (0.0012%); highest among the groups gnomAD compares: South Asian, 0.016%; no homozygotes.

Submissions (2):

Ambry Genetics
Classification: Uncertain significance for Inborn genetic diseases. Last evaluated: 2025-12-11. Review status: criteria provided, single submitter. Criteria: Ambry Variant Classification Scheme 2023. Collection method: clinical testing. Allele origin: germline.

PreventionGenetics, part of Exact Sciences
Classification: Uncertain significance for SEMA3A-related condition. Last evaluated: 2025-04-24. Review status: criteria provided, single submitter. Criteria: ACMG Guidelines, 2015. Collection method: clinical testing. Allele origin: germline.
Comment: The SEMA3A c.2113G>A variant is predicted to result in the amino acid substitution p.Asp705Asn. To our knowledge, this variant has not been reported in the literature. This variant is reported in 0.023% of alleles in individuals of South Asian descent in gnomAD. Although we suspect that this variant may be benign, at this time, the clinical significance of this variant is uncertain due to the absence of conclusive functional and genetic evidence.

NM_006080.3(SEMA3A):c.2113G>A (p.Asp705Asn)

Gene: SEMA3A (semaphorin 3A; minus strand). Cytogenetic location: 7q21.11.
Variant type: single nucleotide variant.
Coding change: c.2113G>A on transcript NM_006080.3 (MANE Select); coding-DNA position 2113, G replaced by A.
Protein change: p.Asp705Asn; replaces aspartic acid 705 with asparagine.
Molecular consequence: missense variant.
Genome position (GRCh38, 1-based): chr7:83,961,574, C>T on the plus strand (G>A on the coding strand, the complement: SEMA3A is on the minus strand). VCF-style: chr7-83961574-C-T. GRCh37 (hg19) VCF-style: chr7-83590890-C-T.
Other names: short protein forms D705N.
Identifiers: ClinVar variation 4630452 (VCV004630452.2).